The following is an entry in ClinVar:

ClinVar aggregate classification (germline): Uncertain significance (0 of 4 stars; one submission).

Conditions:
BDNF-related disorder. Also called: BDNF-related condition.

Submission:

PreventionGenetics, part of Exact Sciences
Classification: Uncertain significance for BDNF-related condition. Last evaluated: 2024-08-07. Review status: no assertion criteria provided. Collection method: clinical testing. Allele origin: germline.
Comment: The BDNF c.712G>A variant is predicted to result in the amino acid substitution p.Ala238Thr. To our knowledge, this variant has not been reported in the literature or in a large population database, indicating this variant is rare. At this time, the clinical significance of this variant is uncertain due to the absence of conclusive functional and genetic evidence.

NM_001709.5(BDNF):c.466G>A (p.Ala156Thr)

Genes: BDNF (brain derived neurotrophic factor; minus strand), BDNF-AS (BDNF antisense RNA; plus strand). Cytogenetic location: 11p14.1.
Variant type: single nucleotide variant.
Coding change: c.466G>A on transcript NM_001709.5 (MANE Select); coding-DNA position 466, G replaced by A.
Protein change: p.Ala156Thr; replaces alanine 156 with threonine.
Molecular consequence: missense variant.
Genome position (GRCh38, 1-based): chr11:27,658,099, C>T on the plus strand (G>A on the coding strand, the complement: BDNF is on the minus strand). VCF-style: chr11-27658099-C-T. GRCh37 (hg19) VCF-style: chr11-27679646-C-T.
Other names: c.466G>A, p.Ala156Thr (NM_001143805.1, NM_001143806.1, NM_001143807.2 and 9 more transcripts); c.553G>A, p.Ala185Thr (NM_001143809.2); c.712G>A, p.Ala238Thr (NM_001143810.2); c.490G>A, p.Ala164Thr (NM_170731.5); c.511G>A, p.Ala171Thr (NM_170734.4); short protein forms A156T, A164T, A171T, A185T, A238T.
Identifiers: ClinVar variation 3346033 (VCV003346033.1).